The following is an entry in ClinVar:

ClinVar aggregate classification (germline): Uncertain significance (1 of 4 stars; one submission).

Conditions:
Developmental and epileptic encephalopathy, 11 (DEE11). Also called: Early infantile epileptic encephalopathy 11. Identifiers: Orphanet 1934, MedGen C3150987, MONDO:0013388, OMIM 613721.
Seizures, benign familial infantile, 3 (BFIS3). Also called: CONVULSIONS, BENIGN FAMILIAL INFANTILE, 3; Familial neonatal seizures. Identifiers: Orphanet 140927, Orphanet 306, MedGen C1843140, MONDO:0011904, OMIM 607745.

Submission:

Labcorp Genetics (formerly Invitae), Labcorp
Classification: Uncertain significance for Seizures, benign familial infantile, 3; Developmental and epileptic encephalopathy, 11. Last evaluated: 2024-10-10. Review status: criteria provided, single submitter. Criteria: Invitae Variant Classification Sherloc (09022015). Collection method: clinical testing. Allele origin: germline.
Comment: This sequence change replaces glutamic acid, which is acidic and polar, with alanine, which is neutral and non-polar, at codon 1493 of the SCN2A protein (p.Glu1493Ala). This variant is not present in population databases (gnomAD no frequency). This variant has not been reported in the literature in individuals affected with SCN2A-related conditions. Invitae Evidence Modeling of protein sequence and biophysical properties (such as structural, functional, and spatial information, amino acid conservation, physicochemical variation, residue mobility, and thermodynamic stability) indicates that this missense variant is expected to disrupt SCN2A protein function with a positive predictive value of 95%. In summary, the available evidence is currently insufficient to determine the role of this variant in disease. Therefore, it has been classified as a Variant of Uncertain Significance.

NM_001040142.2(SCN2A):c.4478A>C (p.Glu1493Ala)

Gene: SCN2A (sodium voltage-gated channel alpha subunit 2; plus strand). Cytogenetic location: 2q24.3.
Variant type: single nucleotide variant.
Coding change: c.4478A>C on transcript NM_001040142.2 (MANE Select); coding-DNA position 4478, A replaced by C.
Protein change: p.Glu1493Ala; replaces glutamic acid 1493 with alanine.
Molecular consequence: missense variant.
Genome position (GRCh38, 1-based): chr2:165,381,124, A>C. VCF-style: chr2-165381124-A-C. GRCh37 (hg19) VCF-style: chr2-166237634-A-C.
Other names: c.4478A>C, p.Glu1493Ala (NM_001040143.2, NM_001371246.1, NM_001371247.1 and 1 more transcripts); short protein forms E1493A.
Identifiers: ClinVar variation 3753670 (VCV003753670.2).